The following is an entry in ClinVar:

NM_000051.4(ATM):c.7361C>T (p.Ala2454Val)

Genes: ATM (ATM serine/threonine kinase; plus strand), C11orf65 (chromosome 11 open reading frame 65; minus strand). Cytogenetic location: 11q22.3.
Variant type: single nucleotide variant.
Coding change: c.7361C>T on transcript NM_000051.4 (MANE Select); coding-DNA position 7361, C replaced by T.
Protein change: p.Ala2454Val; replaces alanine 2454 with valine.
Molecular consequence: missense variant. On other transcripts: intron variant (2).
Genome position (GRCh38, 1-based): chr11:108,330,267, C>T. VCF-style: chr11-108330267-C-T. GRCh37 (hg19) VCF-style: chr11-108200994-C-T.
Other names: c.7361C>T, p.Ala2454Val (NM_001351834.2); c.641-21196G>A (NM_001330368.2); c.*38+4953G>A (NM_001351110.2); short protein forms A2454V.
Identifiers: ClinVar variation 3222880 (VCV003222880.1), dbSNP rs2086118064, ClinGen allele CA382559963.

ClinVar aggregate classification (germline): Uncertain significance (1 of 4 stars; one submission).

Conditions:
Hereditary cancer-predisposing syndrome. Also called: Tumor predisposition; Hereditary Cancer Syndrome; Hereditary neoplastic syndrome; Neoplastic Syndromes, Hereditary. Identifiers: Orphanet 140162, MedGen C0027672, MeSH D009386, MONDO:0015356.

Submission:

Ambry Genetics
Classification: Uncertain significance for Hereditary cancer-predisposing syndrome. Last evaluated: 2023-09-21. Review status: criteria provided, single submitter. Criteria: Ambry Variant Classification Scheme 2023. Collection method: clinical testing. Allele origin: germline.
Comment: The p.A2454V variant (also known as c.7361C>T), located in coding exon 49 of the ATM gene, results from a C to T substitution at nucleotide position 7361. The alanine at codon 2454 is replaced by valine, an amino acid with similar properties. This amino acid position is conserved. In addition, this alteration is predicted to be tolerated by in silico analysis. Since supporting evidence is limited at this time, the clinical significance of this alteration remains unclear.